The following is an entry in ClinVar:

NM_001165963.4(SCN1A):c.3550+11G>T

Genes: SCN1A (sodium voltage-gated channel alpha subunit 1; minus strand), LOC102724058 (uncharacterized LOC102724058; plus strand). Cytogenetic location: 2q24.3.
Variant type: single nucleotide variant.
Coding change: c.3550+11G>T on transcript NM_001165963.4 (MANE Select); 11 bases into the intron after coding-DNA position 3550, G replaced by T.
Molecular consequence: intron variant.
Genome position (GRCh38, 1-based): chr2:166,015,596, C>A on the plus strand (G>T on the coding strand, the complement: SCN1A is on the minus strand). VCF-style: chr2-166015596-C-A. GRCh37 (hg19) VCF-style: chr2-166872106-C-A.
Other names: c.3517+11G>T (NM_001353949.2, NM_001353950.2, NM_001353951.2 and 2 more transcripts); c.3466+11G>T (NM_001353958.2, NM_001353957.2, NM_001165964.3); c.3550+11G>T (NM_001202435.3, NM_001353948.2); c.3514+11G>T (NM_001353955.2, NM_001353954.2); c.3463+11G>T (NM_001353960.2); c.1108+11G>T (NM_001353961.2).
Identifiers: ClinVar variation 138978 (VCV000138978.12), dbSNP rs202142409, ClinGen allele CA293175.
Genomic context (GRCh38, chr2:166,015,596, plus strand): 5'-ATTTTAGCTGACCAACAGCTAAACAAGCTGCACTCCAAATGAAAGATTAACATTAGGATT[C>A]TTTTCTTTACCTTCAGTGAAACAAGCTTCTGGTTCAAGAGTTTCTTCAGGTTCCACTACG-3'

ClinVar aggregate classification (germline): Benign/Likely benign. Review status: criteria provided, multiple submitters, no conflicts (2 of 4 stars). 4 submissions from 4 submitters: Benign (3); Likely benign (1). Last evaluated 2026-02-03.

Conditions:
Early-infantile DEE. Also called: Early infantile epileptic encephalopathy with suppression bursts; Early infantile epileptic encephalopathy; Ohtahara syndrome. Identifiers: Orphanet 1934, MedGen C0393706, MONDO:0800491.

Allele frequency attached by ClinVar (database versions not stated): gnomAD exomes 0.00016 and 0.00046; ExAC 0.00058; 1000 Genomes Project 30x 0.00078; 1000 Genomes Project 0.00080; gnomAD 0.00170 and 0.00194; ESP Exome Variant Server 0.00208; TOPMed 0.00210.
gnomAD v4.1: 494 of 1,612,260 alleles (0.031%); highest among the groups gnomAD compares: African/African-American, 0.59%; 1 homozygote.

Submissions (4):

Labcorp Genetics (formerly Invitae), Labcorp
Classification: Benign for Early-infantile DEE. Last evaluated: 2026-02-03. Review status: criteria provided, single submitter. Criteria: Invitae Variant Classification Sherloc (09022015). Collection method: clinical testing. Allele origin: germline.

Blueprint Genetics
Classification: Likely benign. Last evaluated: 2024-05-27. Review status: criteria provided, single submitter. Criteria: ACMG Guidelines, 2015. Collection method: clinical testing. Allele origin: germline.

Women's Health and Genetics/Laboratory Corporation of America, LabCorp
Classification: Benign. Last evaluated: 2020-04-14. Review status: criteria provided, single submitter. Criteria: LabCorp Variant Classification Summary - May 2015. Collection method: clinical testing. Allele origin: germline.
Comment: Variant summary: SCN1A c.3550+11G>T alters a non-conserved nucleotide located close to a canonical splice site and therefore could affect mRNA splicing, leading to a significantly altered protein sequence. 4/4 computational tools predict no significant impact on normal splicing. However, these predictions have yet to be confirmed by functional studies. The variant allele was found at a frequency of 0.00046 in 251152 control chromosomes, predominantly at a frequency of 0.0064 within the African or African-American subpopulation in the gnomAD database. The observed variant frequency within African or African-American control individuals in the gnomAD database is approximately 358- fold the estimated maximal expected allele frequency for a pathogenic variant in SCN1A causing SCN1A-Related Seizure Disorder phenotype (1.8e-05), strongly suggesting that the variant is a benign polymorphism found primarily in populations of African or African-American origin. To our knowledge, no occurrence of c.3550+11G>T in individuals affected with SCN1A-Related Seizure Disorder and no experimental evidence demonstrating its impact on protein function have been reported. No clinical diagnostic laboratories have submitted clinical-significance assessments for this variant to ClinVar after 2014. Based on the evidence outlined above, the variant was classified as benign.

GeneDx
Classification: Benign. Last evaluated: 2013-02-13. Review status: criteria provided, single submitter. Criteria: GeneDx Variant Classification (06012015). Collection method: clinical testing. Allele origin: germline. Affected: yes.
Comment: This variant is considered likely benign or benign based on one or more of the following criteria: it is a conservative change, it occurs at a poorly conserved position in the protein, it is predicted to be benign by multiple in silico algorithms, and/or has population frequency not consistent with disease.